The following is an entry in ClinVar:

ClinVar aggregate classification (germline): Uncertain significance (1 of 4 stars; one submission).

Conditions:
Peroxisome biogenesis disorder 2B (PBD2B). Identifiers: Orphanet 44, MedGen C3550234, MONDO:0008736, OMIM 202370.

Allele frequency attached by ClinVar (database versions not stated): gnomAD 0.00002 and 0.00005; gnomAD exomes 0.00003 and 0.00010; TOPMed 0.00007; ExAC 0.00013; 1000 Genomes Project 30x 0.00047; 1000 Genomes Project 0.00060.
gnomAD v4.1: 58 of 1,614,138 alleles (0.0036%); highest among the groups gnomAD compares: East Asian, 0.11%; no homozygotes.

Submission:

Labcorp Genetics (formerly Invitae), Labcorp
Classification: Uncertain significance for Peroxisome biogenesis disorder 2B. Last evaluated: 2024-10-16. Review status: criteria provided, single submitter. Criteria: Invitae Variant Classification Sherloc (09022015). Collection method: clinical testing. Allele origin: germline.
Comment: This sequence change replaces arginine, which is basic and polar, with histidine, which is basic and polar, at codon 100 of the PEX5 protein (p.Arg100His). This variant is present in population databases (rs757108771, gnomAD 0.1%). This variant has not been reported in the literature in individuals affected with PEX5-related conditions. ClinVar contains an entry for this variant (Variation ID: 1008354). An algorithm developed to predict the effect of missense changes on protein structure and function (PolyPhen-2) suggests that this variant¬†is likely to be tolerated. In summary, the available evidence is currently insufficient to determine the role of this variant in disease. Therefore, it has been classified as a Variant of Uncertain Significance.

NM_001351132.2(PEX5):c.299G>A (p.Arg100His)

Gene: PEX5 (peroxisomal biogenesis factor 5; plus strand). Cytogenetic location: 12p13.31.
Variant type: single nucleotide variant.
Coding change: c.299G>A on transcript NM_001351132.2 (MANE Select); coding-DNA position 299, G replaced by A.
Protein change: p.Arg100His; replaces arginine 100 with histidine.
Molecular consequence: missense variant.
Genome position (GRCh38, 1-based): chr12:7,191,341, G>A. VCF-style: chr12-7191341-G-A. GRCh37 (hg19) VCF-style: chr12-7343937-G-A.
Other names: c.299G>A, p.Arg100His (NM_000319.5, NM_001131024.2, NM_001131025.2 and 19 more transcripts); c.344G>A, p.Arg115His (NM_001131023.2, NM_001351135.3, NM_001351138.2); short protein forms R100H, R115H.
Identifiers: ClinVar variation 1008354 (VCV001008354.5), dbSNP rs757108771, ClinGen allele CA6426082.